The following is an entry in ClinVar:

ClinVar aggregate classification (germline): Uncertain significance (1 of 4 stars; one submission).

gnomAD v4.1: 3 of 1,613,936 alleles (0.00019%); highest among the groups gnomAD compares: African/African-American, 0.0027%; no homozygotes.

Submission:

Dasa
Classification: Uncertain significance. Last evaluated: 2026-02-26. Review status: criteria provided, single submitter. Criteria: DASA Assertion Criteria. Collection method: clinical testing. Allele origin: germline.
Comment: NM_001692.4(ATP6V1B1):c.1357G>C (p.Glu453Gln) is a missense variant that results in the substitution of glutamic acid with glutamine. This variant is rare in population databases. Computational prediction algorithms are consistent with a deleterious effect. The currently available literature and clinical evidence are not sufficient to establish a definitive association between this variant and the reported condition. Therefore, this variant is classified as a variant of uncertain significance.

NM_001692.4(ATP6V1B1):c.1357G>C (p.Glu453Gln)

Gene: ATP6V1B1 (ATPase H+ transporting V1 subunit B1; plus strand). Cytogenetic location: 2p13.3.
Variant type: single nucleotide variant.
Coding change: c.1357G>C on transcript NM_001692.4 (MANE Select); coding-DNA position 1357, G replaced by C.
Protein change: p.Glu453Gln; replaces glutamic acid 453 with glutamine.
Molecular consequence: missense variant.
Genome position (GRCh38, 1-based): chr2:70,964,844, G>C. VCF-style: chr2-70964844-G-C. GRCh37 (hg19) VCF-style: chr2-71191974-G-C.
Other names: short protein forms E453Q.
Identifiers: ClinVar variation 4882028 (VCV004882028.2).
Genomic context (GRCh38, chr2:70,964,844, plus strand): 5'-GTTGGGGAGGAGGCGCTCACCTCTGAGGACCTGCTCTACCTGGAATTCCTGCAGAAGTTT[G>C]AGAAGAACTTCATCAATCAGGGTAAGGCGCGTCGCTGGTGTGGAGCCAGTAACCTCTTCA-3'
Protein context (NP_001683.2, residues 443-463): LLYLEFLQKF[Glu453Gln]KNFINQGPYE